The following is an entry in ClinVar:

ClinVar aggregate classification (germline): Uncertain significance (1 of 4 stars; one submission).

Conditions:
Hypertrophic cardiomyopathy. Also called: HYPERTROPHIC MYOCARDIOPATHY. Identifiers: Orphanet 217569, MedGen C0007194, MeSH D002312, MONDO:0005045, HP:0001639.

Submission:

Labcorp Genetics (formerly Invitae), Labcorp
Classification: Uncertain significance for Hypertrophic cardiomyopathy. Last evaluated: 2024-09-15. Review status: criteria provided, single submitter. Criteria: Invitae Variant Classification Sherloc (09022015). Collection method: clinical testing. Allele origin: germline.
Comment: This sequence change replaces asparagine, which is neutral and polar, with lysine, which is basic and polar, at codon 334 of the MYH7 protein (p.Asn334Lys). This variant is not present in population databases (gnomAD no frequency). This variant has not been reported in the literature in individuals affected with MYH7-related conditions. An algorithm developed to predict the effect of missense changes on protein structure and function (PolyPhen-2) suggests that this variant is likely to be tolerated. In summary, the available evidence is currently insufficient to determine the role of this variant in disease. Therefore, it has been classified as a Variant of Uncertain Significance.

NM_000257.4(MYH7):c.1002C>A (p.Asn334Lys)

Gene: MYH7 (myosin heavy chain 7; minus strand). Cytogenetic location: 14q11.2.
Variant type: single nucleotide variant.
Coding change: c.1002C>A on transcript NM_000257.4 (MANE Select); coding-DNA position 1002, C replaced by A.
Protein change: p.Asn334Lys; replaces asparagine 334 with lysine.
Molecular consequence: missense variant.
Genome position (GRCh38, 1-based): chr14:23,429,911, G>T on the plus strand (C>A on the coding strand, the complement: MYH7 is on the minus strand). VCF-style: chr14-23429911-G-T. GRCh37 (hg19) VCF-style: chr14-23899120-G-T.
Other names: c.1002C>A, p.Asn334Lys (NM_001407004.1); short protein forms N334K.
Identifiers: ClinVar variation 3674270 (VCV003674270.2).